The following is an entry in ClinVar:

ClinVar aggregate classification (germline): Conflicting classifications of pathogenicity. Review status: criteria provided, conflicting classifications (1 of 4 stars). 4 submissions from 4 submitters: Uncertain significance (1); Likely benign (2). 1 of the submissions does not count toward it. Last evaluated 2026-01-26.

Conditions:
Desmoid disease, hereditary (DESMD). Also called: FIBROMATOSIS, FAMILIAL INFILTRATIVE. Identifiers: Orphanet 873, MedGen C1851124, OMIM 135290. Disease mechanism: loss of function.
Carcinoma of colon (CRC). Also called: Colonic carcinoma; Colon carcinoma. Identifiers: MedGen C0699790, MONDO:0002032.
Hepatocellular carcinoma (HCC). Also called: Primary carcinoma of liver; HEPATOMA; LIVER CELL CARCINOMA. Identifiers: Orphanet 88673, MedGen C2239176, MONDO:0007256, OMIM 114550, HP:0001402.
Familial adenomatous polyposis 1 (FAP1). Also called: FAMILIAL ADENOMATOUS POLYPOSIS 1, ATTENUATED; POLYPOSIS, ADENOMATOUS INTESTINAL. Identifiers: MedGen C2713442, MONDO:0021056, OMIM 175100. Disease mechanism: loss of function.
Neoplasm of stomach. Also called: Stomach Neoplasms; Neoplasm of the stomach; Gastric neoplasm. Identifiers: MedGen C0038356, MONDO:0021085, HP:0006753. Disease mechanism: gain of function. Inheritance: Somatic mutation.
APC-related disorder. Also called: APC-related condition.

Allele frequency attached by ClinVar (database versions not stated): TOPMed 0.00001; 1000 Genomes Project 30x 0.00125; 1000 Genomes Project 0.00160.
gnomAD v4.1: 70 of 982,108 alleles (0.0071%); highest among the groups gnomAD compares: South Asian, 0.066%; 1 homozygote.

Submissions (4):

Labcorp Genetics (formerly Invitae), Labcorp
Classification: Likely benign for Familial adenomatous polyposis 1. Last evaluated: 2026-01-26. Review status: criteria provided, single submitter. Criteria: Invitae Variant Classification Sherloc (09022015). Collection method: clinical testing. Allele origin: germline.

CeGaT Center for Human Genetics Tuebingen
Classification: Likely benign. Last evaluated: 2025-11-01. Review status: criteria provided, single submitter. Criteria: CeGaT Center For Human Genetics Tuebingen Variant Classification Criteria Version 2. Collection method: clinical testing. Allele origin: germline. Affected: yes. Observed: 4 variant alleles.
Comment: APC: BS1

Fulgent Genetics
Classification: Uncertain significance for Colorectal cancer; Hepatocellular carcinoma; Desmoid disease, hereditary; Familial adenomatous polyposis 1; Gastric cancer. Last evaluated: 2018-10-31. Review status: criteria provided, single submitter. Criteria: ACMG Guidelines, 2015. Collection method: clinical testing. Allele origin: unknown.

PreventionGenetics, part of Exact Sciences
Classification: Likely benign for APC-related condition. Last evaluated: 2019-07-17. Review status: no assertion criteria provided. Collection method: clinical testing. Allele origin: germline. Not counted in ClinVar's aggregate classification.
Comment: This variant is classified as likely benign based on ACMG/AMP sequence variant interpretation guidelines (Richards et al. 2015 PMID: 25741868, with internal and published modifications).

NM_001127511.3(APC):c.-128G>C

Gene: APC (APC regulator of Wnt signaling pathway; plus strand). Cytogenetic location: 5q22.2.
Variant type: single nucleotide variant.
Coding change: c.-128G>C on transcript NM_001127511.3; 128 bases upstream of the start codon, G replaced by C.
Molecular consequence: 5 prime UTR variant. On other transcripts: non-coding transcript variant (2).
Genome position (GRCh38, 1-based): chr5:112,707,590, G>C. VCF-style: chr5-112707590-G-C. GRCh37 (hg19) VCF-style: chr5-112043287-G-C.
Other names: c.-311G>C (NM_001407447.1, NM_001407452.1, NM_001407456.1 and 3 more transcripts); c.-78G>C (NM_001407448.1, NM_001407450.1, NM_001407457.1 and 1 more transcripts); c.-102G>C (NM_001407453.1); c.-1346G>C (NM_001407470.1, NM_001407472.1); c.-128G>C (NM_001354897.2, NM_001354902.2, NM_001407446.1).
Identifiers: ClinVar variation 469828 (VCV000469828.31), dbSNP rs543098847, ClinGen allele CA124924970.